The following is an entry in ClinVar:

NM_177438.3(DICER1):c.5346G>A (p.Met1782Ile)

Gene: DICER1 (dicer 1, ribonuclease III; minus strand). Cytogenetic location: 14q32.13.
Variant type: single nucleotide variant.
Coding change: c.5346G>A on transcript NM_177438.3 (MANE Select); coding-DNA position 5346, G replaced by A.
Protein change: p.Met1782Ile; replaces methionine 1782 with isoleucine.
Molecular consequence: missense variant.
Genome position (GRCh38, 1-based): chr14:95,093,906, C>T on the plus strand (G>A on the coding strand, the complement: DICER1 is on the minus strand). VCF-style: chr14-95093906-C-T. GRCh37 (hg19) VCF-style: chr14-95560243-C-T.
Other names: c.5346G>A, p.Met1782Ile (NM_001195573.1, NM_001271282.3, NM_001291628.2 and 1 more transcripts); short protein forms M1782I.
Identifiers: ClinVar variation 477256 (VCV000477256.10), dbSNP rs1555366679, ClinGen allele CA390864890.

ClinVar aggregate classification (germline): Uncertain significance (1 of 4 stars; one submission).

Conditions:
DICER1-related tumor predisposition. Also called: DICER1-related pleuropulmonary blastoma cancer predisposition syndrome; DICER1 syndrome. Identifiers: Orphanet 284343, MedGen C3839822, MONDO:0100216.

Submission:

Labcorp Genetics (formerly Invitae), Labcorp
Classification: Uncertain significance for DICER1-related tumor predisposition. Last evaluated: 2024-08-26. Review status: criteria provided, single submitter. Criteria: Invitae Variant Classification Sherloc (09022015). Collection method: clinical testing. Allele origin: germline.
Comment: This sequence change replaces methionine, which is neutral and non-polar, with isoleucine, which is neutral and non-polar, at codon 1782 of the DICER1 protein (p.Met1782Ile). This variant is not present in population databases (gnomAD no frequency). This variant has not been reported in the literature in individuals affected with DICER1-related conditions. ClinVar contains an entry for this variant (Variation ID: 477256). Invitae Evidence Modeling of protein sequence and biophysical properties (such as structural, functional, and spatial information, amino acid conservation, physicochemical variation, residue mobility, and thermodynamic stability) indicates that this missense variant is not expected to disrupt DICER1 protein function with a negative predictive value of 80%. In summary, the available evidence is currently insufficient to determine the role of this variant in disease. Therefore, it has been classified as a Variant of Uncertain Significance.